The following is an entry in ClinVar:

ClinVar aggregate classification (germline): Conflicting classifications of pathogenicity. Review status: criteria provided, conflicting classifications (1 of 4 stars). 7 submissions from 7 submitters: Uncertain significance (2); Likely benign (4). 1 of the submissions does not count toward it. Last evaluated 2026-02-01.

Conditions:
EP300-related disorder. Also called: EP300-related condition; EP300-related disorders.
Inborn genetic diseases. Identifiers: MedGen C0950123, MeSH D030342.
Rubinstein-Taybi syndrome due to EP300 haploinsufficiency. Also called: EP300-Related Rubinstein-Taybi Syndrome; RUBINSTEIN-TAYBI SYNDROME 2. Identifiers: Orphanet 353284, Orphanet 783, MedGen C3150941, MONDO:0013364, OMIM 613684.

Allele frequency attached by ClinVar (database versions not stated): ESP Exome Variant Server 0.00008; ExAC 0.00009; TOPMed 0.00012; 1000 Genomes Project 0.00020; 1000 Genomes Project 30x 0.00031; gnomAD 0.00009 and 0.00011; gnomAD exomes 0.00010.
gnomAD v4.1: 161 of 1,614,238 alleles (0.01%); highest among the groups gnomAD compares: Middle Eastern, 0.48%; 1 homozygote.

Submissions (7):

CeGaT Center for Human Genetics Tuebingen
Classification: Likely benign. Last evaluated: 2026-02-01. Review status: criteria provided, single submitter. Criteria: CeGaT Center For Human Genetics Tuebingen Variant Classification Criteria Version 2. Collection method: clinical testing. Allele origin: germline. Affected: yes. Observed: 2 variant alleles.
Comment: EP300: BP4, BS2

Labcorp Genetics (formerly Invitae), Labcorp
Classification: Likely benign for Rubinstein-Taybi syndrome due to EP300 haploinsufficiency. Last evaluated: 2025-10-06. Review status: criteria provided, single submitter. Criteria: Invitae Variant Classification Sherloc (09022015). Collection method: clinical testing. Allele origin: germline.

Ambry Genetics
Classification: Likely benign for Inborn genetic diseases. Last evaluated: 2025-03-03. Review status: criteria provided, single submitter. Criteria: Ambry Variant Classification Scheme 2023. Collection method: clinical testing. Allele origin: germline.

Blueprint Genetics
Classification: Likely benign. Last evaluated: 2024-03-14. Review status: criteria provided, single submitter. Criteria: ACMG Guidelines, 2015. Collection method: clinical testing. Allele origin: germline.

Genetic Services Laboratory, University of Chicago
Classification: Uncertain significance for Rubinstein-Taybi syndrome 2. Last evaluated: 2014-05-12. Review status: criteria provided, single submitter. Criteria: ACMG Guidelines, 2015. Collection method: clinical testing. Allele origin: germline. Inheritance: Autosomal dominant inheritance.

Breakthrough Genomics
Classification: Uncertain significance. Review status: criteria provided, single submitter. Criteria: ACMG Guidelines, 2015. Collection method: not provided. Allele origin: germline. Inheritance: Autosomal dominant inheritance. Affected: yes.

PreventionGenetics, part of Exact Sciences
Classification: Likely benign for EP300-related condition. Last evaluated: 2021-09-20. Review status: no assertion criteria provided. Collection method: clinical testing. Allele origin: germline. Not counted in ClinVar's aggregate classification.
Comment: This variant is classified as likely benign based on ACMG/AMP sequence variant interpretation guidelines (Richards et al. 2015 PMID: 25741868, with internal and published modifications).

NM_001429.4(EP300):c.586A>G (p.Ile196Val)

Gene: EP300 (EP300 lysine acetyltransferase; plus strand). Cytogenetic location: 22q13.2.
Variant type: single nucleotide variant.
Coding change: c.586A>G on transcript NM_001429.4 (MANE Select); coding-DNA position 586, A replaced by G.
Protein change: p.Ile196Val; replaces isoleucine 196 with valine.
Molecular consequence: missense variant.
Genome position (GRCh38, 1-based): chr22:41,117,678, A>G. VCF-style: chr22-41117678-A-G. GRCh37 (hg19) VCF-style: chr22-41513682-A-G.
Other names: c.586A>G, p.Ile196Val (NM_001362843.2); short protein forms I196V.
Identifiers: ClinVar variation 158567 (VCV000158567.38), dbSNP rs148693910, ClinGen allele CA271496.